The following is an entry in ClinVar:

NM_021913.5(AXL):c.2493T>C (p.Pro831=)

Gene: AXL (AXL receptor tyrosine kinase; plus strand). Cytogenetic location: 19q13.2.
Variant type: single nucleotide variant.
Coding change: c.2493T>C on transcript NM_021913.5 (MANE Select); coding-DNA position 2493, T replaced by C.
Protein change: p.Pro831=; no amino-acid change (proline 831 retained).
Molecular consequence: synonymous variant.
Genome position (GRCh38, 1-based): chr19:41,259,712, T>C. VCF-style: chr19-41259712-T-C. GRCh37 (hg19) VCF-style: chr19-41765617-T-C.
Other names: c.1689T>C, p.Pro563= (NM_001278599.2); c.2466T>C, p.Pro822= (NM_001699.6).
Identifiers: ClinVar variation 711730 (VCV000711730.13), dbSNP rs116041107, ClinGen allele CA9458720.
Genomic context (GRCh38, chr19:41,259,712, plus strand): 5'-TCCTGCCCAGGAGCCTGACGAAATCCTCTATGTCAACATGGATGAGGGTGGAGGTTATCC[T>C]GAACCCCCTGGAGCTGCAGGAGGAGCTGACCCCCCAACCCAGCCAGACCCTAAGGATTCC-3'
Protein context (NP_068713.2, residues 821-841): YVNMDEGGGY[Pro831=]EPPGAAGGAD

ClinVar aggregate classification (germline): Benign. Review status: criteria provided, multiple submitters, no conflicts (2 of 4 stars). 3 submissions from 3 submitters: Benign (2). 1 of the submissions does not count toward it. Last evaluated 2025-11-10.

Conditions:
AXL-related disorder. Also called: AXL-related condition.

Allele frequency attached by ClinVar (database versions not stated): gnomAD exomes 0.00066 and 0.00207; ExAC 0.00255; gnomAD 0.00774 and 0.00828; TOPMed 0.00866; ESP Exome Variant Server 0.00953; 1000 Genomes Project 0.00998; 1000 Genomes Project 30x 0.01077.
gnomAD v4.1: 2,176 of 1,614,094 alleles (0.13%); highest among the groups gnomAD compares: African/African-American, 2.6%; 29 homozygotes.

Submissions (3):

Labcorp Genetics (formerly Invitae), Labcorp
Classification: Benign. Last evaluated: 2025-11-10. Review status: criteria provided, single submitter. Criteria: Invitae Variant Classification Sherloc (09022015). Collection method: clinical testing. Allele origin: germline.

Breakthrough Genomics
Classification: Benign. Review status: criteria provided, single submitter. Criteria: ACMG Guidelines, 2015. Collection method: not provided. Allele origin: germline. Inheritance: Unknown mechanism. Affected: yes.

PreventionGenetics, part of Exact Sciences
Classification: Likely benign for AXL-related condition. Last evaluated: 2019-11-25. Review status: no assertion criteria provided. Collection method: clinical testing. Allele origin: germline. Not counted in ClinVar's aggregate classification.
Comment: This variant is classified as likely benign based on ACMG/AMP sequence variant interpretation guidelines (Richards et al. 2015 PMID: 25741868, with internal and published modifications).